The following is an entry in ClinVar:

NC_000005.10:g.33985073_33985114del

Gene: SLC45A2 (solute carrier family 45 member 2; minus strand). Cytogenetic location: 5p13.2.
Variant type: Deletion.
Genome position: GRCh38: chr5:33,985,073-33,985,114. GRCh37 (hg19): chr5:33,985,178-33,985,219.
Identifiers: ClinVar variation 1911055 (VCV001911055.3), dbSNP rs1753217568, ClinGen allele CA1074899763.

ClinVar aggregate classification (germline): Uncertain significance (1 of 4 stars; one submission).

Submission:

Labcorp Genetics (formerly Invitae), Labcorp
Classification: Uncertain significance. Last evaluated: 2022-04-09. Review status: criteria provided, single submitter. Criteria: Invitae Variant Classification Sherloc (09022015). Collection method: clinical testing. Allele origin: germline.
Comment: This variant occurs in a non-coding region of the SLC45A2 gene. It does not change the encoded amino acid sequence of the SLC45A2 protein. This variant is not present in population databases (gnomAD no frequency). This variant has not been reported in the literature in individuals affected with SLC45A2-related conditions. Experimental studies and prediction algorithms are not available or were not evaluated, and the functional significance of this variant is currently unknown. In summary, the available evidence is currently insufficient to determine the role of this variant in disease. Therefore, it has been classified as a Variant of Uncertain Significance.